The following is an entry in ClinVar:

NM_000256.3(MYBPC3):c.3627+6del

Gene: MYBPC3 (myosin binding protein C3; minus strand). Cytogenetic location: 11p11.2.
Variant type: Deletion.
Coding change: c.3627+6del on transcript NM_000256.3 (MANE Select); 6 bases into the intron after coding-DNA position 3627, one base deleted (G; older notation c.3627+6delG).
Molecular consequence: intron variant.
Genome position (GRCh38, 1-based): chr11:47,332,560, C deleted on the plus strand (G on the coding strand, the reverse complement: MYBPC3 is on the minus strand); the first of 3 consecutive C bases (chr11:47,332,560-47,332,562); deleting any one gives the same sequence. VCF-style (leftmost placement, unchanged base first): chr11-47332559-TC-T. GRCh37 (hg19) VCF-style: chr11-47354110-TC-T.
Identifiers: ClinVar variation 3387089 (VCV003387089.1).
Genomic context (GRCh38, chr11:47,332,559, plus strand): 5'-TGCTCAACGTCGGGGCCTGTGAGCCCTGCCTCCTGGTCGGCCTGGACCAGCGCCTAAAGT[TC>T]CCTACCTTGGGGCTACCCCGGACAGCACAGCAGAGCATAGCAGTGTAGCCCGCGATGACC-3'

ClinVar aggregate classification (germline): Uncertain significance (1 of 4 stars; one submission).

Conditions:
Hypertrophic cardiomyopathy. Also called: HYPERTROPHIC MYOCARDIOPATHY. Identifiers: Orphanet 217569, MedGen C0007194, MeSH D002312, MONDO:0005045, HP:0001639.

Submission:

All of Us Research Program, National Institutes of Health
Classification: Uncertain significance for Hypertrophic cardiomyopathy. Last evaluated: 2024-05-14. Review status: criteria provided, single submitter. Criteria: ACMG Guidelines, 2015. Collection method: clinical testing. Allele origin: germline. Inheritance: Autosomal dominant inheritance. Observed: 1 variant allele, 1 heterozygote.
Comment: This variant causes a deletion of single nucleotide at +6 position in intron 32 of the MYBPC3 gene. To our knowledge, functional studies have not been reported for this variant. This variant has not been reported in individuals affected with MYBPC3-related disorders in the literature. This variant has not been identified in the general population by the Genome Aggregation Database (gnomAD). The available evidence is insufficient to determine the role of this variant in disease conclusively. Therefore, this variant is classified as a Variant of Uncertain Significance.

This study involves interpretation of variants in research participants for the purpose of population health screening. Participant phenotype was not available at the time of variant classification. Additional details can be found in publication PMID: 35346344, PMCID: PMC8962531